The following is an entry in ClinVar:

ClinVar aggregate classification (germline): Uncertain significance (1 of 4 stars; one submission).

Allele frequency attached by ClinVar (database versions not stated): gnomAD exomes below 0.00001.
gnomAD v4.1: 1 of 1,614,002 alleles (0.000062%); highest among the groups gnomAD compares: Non-Finnish European, 0.000085%; no homozygotes.

Submission:

Women's Health and Genetics/Laboratory Corporation of America, LabCorp
Classification: Uncertain significance. Last evaluated: 2025-06-03. Review status: criteria provided, single submitter. Criteria: LabCorp Variant Classification Summary - May 2015. Collection method: clinical testing. Allele origin: germline.
Comment: Variant summary: GDAP1 c.1038C>G (p.Ser346Arg) results in a non-conservative amino acid change in the encoded protein sequence. Algorithms developed to predict the effect of missense changes on protein structure and function all suggest that this variant is likely to be disruptive. The variant was absent in 251352 control chromosomes. The available data on variant occurrences in the general population are insufficient to allow any conclusion about variant significance. To our knowledge, no occurrence of c.1038C>G in individuals affected with GDAP1-related conditions and no experimental evidence demonstrating its impact on protein function have been reported. ClinVar contains an entry for this variant (Variation ID: 2445950). Based on the evidence outlined above, the variant was classified as uncertain significance.

NM_018972.4(GDAP1):c.1038C>G (p.Ser346Arg)

Gene: GDAP1 (ganglioside induced differentiation associated protein 1; plus strand). Cytogenetic location: 8q21.11.
Variant type: single nucleotide variant.
Coding change: c.1038C>G on transcript NM_018972.4 (MANE Select); coding-DNA position 1038, C replaced by G.
Protein change: p.Ser346Arg; replaces serine 346 with arginine.
Molecular consequence: missense variant. On other transcripts: intron variant (1).
Genome position (GRCh38, 1-based): chr8:74,364,328, C>G. VCF-style: chr8-74364328-C-G. GRCh37 (hg19) VCF-style: chr8-75276563-C-G.
Other names: c.834C>G, p.Ser278Arg (NM_001040875.4); c.711C>G, p.Ser237Arg (NM_001362929.2, NM_001362932.2); c.864C>G, p.Ser288Arg (NM_001362930.2); c.694+1275C>G (NM_001362931.2); short protein forms S237R, S278R, S288R, S346R.
Identifiers: ClinVar variation 2445950 (VCV002445950.2), dbSNP rs2536751230, ClinGen allele CA371550795.